The following is an entry in ClinVar:

ClinVar aggregate classification (germline): Pathogenic/Likely pathogenic. Review status: criteria provided, multiple submitters, no conflicts (2 of 4 stars). 2 submissions from 2 submitters: Pathogenic (1); Likely pathogenic (1). Last evaluated 2024-04-03.

Conditions:
Chédiak-Higashi syndrome (CHS). Also called: Chediak-Higashi Syndrome. Identifiers: Orphanet 167, MedGen C0007965, MONDO:0008963, OMIM 214500.

gnomAD v4.1: 1 of 1,612,164 alleles (0.000062%); highest among the groups gnomAD compares: African/African-American, 0.0013%; no homozygotes.

Submissions (2):

Fulgent Genetics
Classification: Likely pathogenic for Chédiak-Higashi syndrome. Last evaluated: 2024-04-03. Review status: criteria provided, single submitter. Criteria: ACMG Guidelines, 2015. Collection method: clinical testing. Allele origin: germline.

Labcorp Genetics (formerly Invitae), Labcorp
Classification: Pathogenic for Chédiak-Higashi syndrome. Last evaluated: 2024-03-18. Review status: criteria provided, single submitter. Criteria: Invitae Variant Classification Sherloc (09022015). Collection method: clinical testing. Allele origin: germline.
Comment: This sequence change creates a premature translational stop signal (p.Ser2719*) in the LYST gene. It is expected to result in an absent or disrupted protein product. Loss-of-function variants in LYST are known to be pathogenic (PMID: 9215679, 11857544). This variant is present in population databases (no rsID available, gnomAD 0.01%). This variant has not been reported in the literature in individuals affected with LYST-related conditions. For these reasons, this variant has been classified as Pathogenic.

Literature cited by the submitters: PubMed 9215679 (cited by Labcorp Genetics (formerly Invitae), Labcorp); PubMed 11857544 (cited by Labcorp Genetics (formerly Invitae), Labcorp).

NM_000081.4(LYST):c.8156C>G (p.Ser2719Ter)

Gene: LYST (lysosomal trafficking regulator; minus strand). Cytogenetic location: 1q42.3.
Variant type: single nucleotide variant.
Coding change: c.8156C>G on transcript NM_000081.4 (MANE Select); coding-DNA position 8156, C replaced by G.
Protein change: p.Ser2719Ter; replaces serine 2719 with a stop codon.
Molecular consequence: nonsense.
Genome position (GRCh38, 1-based): chr1:235,741,624, G>C on the plus strand (C>G on the coding strand, the complement: LYST is on the minus strand). VCF-style: chr1-235741624-G-C. GRCh37 (hg19) VCF-style: chr1-235904924-G-C.
Other names: c.8156C>G, p.Ser2719Ter (NM_001301365.1); short protein forms S2719*.
Identifiers: ClinVar variation 3581487 (VCV003581487.3).